The following is an entry in ClinVar:

ClinVar aggregate classification (germline): Uncertain significance. Review status: criteria provided, multiple submitters, no conflicts (2 of 4 stars). 2 submissions from 2 submitters: Uncertain significance (2). Last evaluated 2025-08-22.

Conditions:
Peroxisome biogenesis disorder. Identifiers: Orphanet 79189, MedGen C1832200, MONDO:0019234. Disease mechanism: loss of function.
Inborn genetic diseases. Identifiers: MedGen C0950123, MeSH D030342.

Allele frequency attached by ClinVar (database versions not stated): TOPMed below 0.00001; gnomAD 0.00001.

Submissions (2):

Ambry Genetics
Classification: Uncertain significance for Inborn genetic diseases. Last evaluated: 2025-08-22. Review status: criteria provided, single submitter. Criteria: Ambry Variant Classification Scheme 2023. Collection method: clinical testing. Allele origin: germline.

Labcorp Genetics (formerly Invitae), Labcorp
Classification: Uncertain significance for Peroxisome biogenesis disorder. Last evaluated: 2022-02-19. Review status: criteria provided, single submitter. Criteria: Invitae Variant Classification Sherloc (09022015). Collection method: clinical testing. Allele origin: germline.
Comment: This sequence change replaces glycine, which is neutral and non-polar, with alanine, which is neutral and non-polar, at codon 162 of the PEX6 protein (p.Gly162Ala). This variant is not present in population databases (gnomAD no frequency). This variant has not been reported in the literature in individuals affected with PEX6-related conditions. Algorithms developed to predict the effect of missense changes on protein structure and function (SIFT, PolyPhen-2, Align-GVGD) all suggest that this variant is likely to be tolerated. In summary, the available evidence is currently insufficient to determine the role of this variant in disease. Therefore, it has been classified as a Variant of Uncertain Significance.

NM_000287.4(PEX6):c.485G>C (p.Gly162Ala)

Gene: PEX6 (peroxisomal biogenesis factor 6; minus strand). Cytogenetic location: 6p21.1.
Variant type: single nucleotide variant.
Coding change: c.485G>C on transcript NM_000287.4 (MANE Select); coding-DNA position 485, G replaced by C.
Protein change: p.Gly162Ala; replaces glycine 162 with alanine.
Molecular consequence: missense variant. On other transcripts: non-coding transcript variant (1).
Genome position (GRCh38, 1-based): chr6:42,978,666, C>G on the plus strand (G>C on the coding strand, the complement: PEX6 is on the minus strand). VCF-style: chr6-42978666-C-G. GRCh37 (hg19) VCF-style: chr6-42946404-C-G.
Other names: c.485G>C, p.Gly162Ala (NM_001316313.2); c.485G>C (NM_000287.3); short protein forms G162A.
Identifiers: ClinVar variation 1987319 (VCV001987319.2), dbSNP rs1398728727, ClinGen allele CA364164956.